The following is an entry in ClinVar:

ClinVar aggregate classification (germline): Conflicting classifications of pathogenicity. Review status: criteria provided, conflicting classifications (1 of 4 stars). 2 submissions from 2 submitters: Uncertain significance (1); Likely benign (1). Last evaluated 2026-05-07.

Conditions:
Bartsocas-Papas syndrome 1. Also called: MULTIPLE PTERYGIUM SYNDROME, ASLAN TYPE; Bartsocas-Papas syndrome; PTERYGIUM, POPLITEAL, LETHAL TYPE. Identifiers: Orphanet 1234, MedGen C1849718, MONDO:0009901, OMIM 263650.
RIPK4-related disorder. Also called: RIPK4-related condition.

Allele frequency attached by ClinVar (database versions not stated): ExAC 0.00001; gnomAD 0.00002; TOPMed 0.00004.
gnomAD v4.1: 16 of 1,586,000 alleles (0.001%); highest among the groups gnomAD compares: Middle Eastern, 0.034%; no homozygotes.

Submissions (2):

PreventionGenetics, part of Exact Sciences
Classification: Likely benign for RIPK4-related condition. Last evaluated: 2026-05-07. Review status: criteria provided, single submitter. Criteria: ACMG Guidelines, 2015. Collection method: clinical testing. Allele origin: germline.
Comment: This variant is classified as likely benign based on ACMG/AMP sequence variant interpretation guidelines (Richards et al. 2015 PMID: 25741868, with internal and published modifications).

Illumina Laboratory Services, Illumina
Classification: Uncertain significance for Bartsocas-Papas syndrome 1. Last evaluated: 2018-01-12. Review status: criteria provided, single submitter. Criteria: ICSL Variant Classification Criteria 13 December 2019. Collection method: clinical testing. Allele origin: germline.

NM_020639.3(RIPK4):c.1195+8G>C

Gene: RIPK4 (receptor interacting serine/threonine kinase 4; minus strand). Cytogenetic location: 21q22.3.
Variant type: single nucleotide variant.
Coding change: c.1195+8G>C on transcript NM_020639.3 (MANE Select); 8 bases into the intron after coding-DNA position 1195, G replaced by C.
Molecular consequence: intron variant.
Genome position (GRCh38, 1-based): chr21:41,743,874, C>G on the plus strand (G>C on the coding strand, the complement: RIPK4 is on the minus strand). VCF-style: chr21-41743874-C-G. GRCh37 (hg19) VCF-style: chr21-43164034-C-G.
Identifiers: ClinVar variation 896752 (VCV000896752.5), dbSNP rs750525932, ClinGen allele CA10035375.
Genomic context (GRCh38, chr21:41,743,874, plus strand): 5'-TCACTGAGTCCAGTCCACTGTCCCGCCAAGCCCAGCATCTCTCGGGACACAGAGGCGTCC[C>G]CACTCACCGCTGGTTGAAGGTTCCCGCTCAAAGGACAGCGACAGTGATCCTCTGGAAGAG-3'